The following is an entry in ClinVar:

NM_001267550.2(TTN):c.17048A>G (p.Tyr5683Cys)

Genes: TTN (titin; minus strand), LOC126806431 (CDK7 strongly-dependent group 2 enhancer GRCh37_chr2:179595719-179596918; plus strand). Cytogenetic location: 2q31.2.
Variant type: single nucleotide variant.
Coding change: c.17048A>G on transcript NM_001267550.2 (MANE Select); coding-DNA position 17048, A replaced by G.
Protein change: p.Tyr5683Cys; replaces tyrosine 5683 with cysteine.
Molecular consequence: missense variant. On other transcripts: intron variant (3).
Genome position (GRCh38, 1-based): chr2:178,731,827, T>C on the plus strand (A>G on the coding strand, the complement: TTN is on the minus strand). VCF-style: chr2-178731827-T-C. GRCh37 (hg19) VCF-style: chr2-179596554-T-C.
Other names: p.Y4439C:TAT>TGT; p.Tyr5366Cys; c.16097A>G, p.Tyr5366Cys (NM_001256850.1); c.13316A>G, p.Tyr4439Cys (NM_133378.4); c.13282+6255A>G (NM_003319.4); c.13858+6255A>G (NM_133437.4); c.13657+6255A>G (NM_133432.3); short protein forms Y5683C, Y4439C, Y5366C.
Identifiers: ClinVar variation 46621 (VCV000046621.99), dbSNP rs72648942, ClinGen allele CA138781.
Genomic context (GRCh38, chr2:178,731,827, plus strand): 5'-TCTGCAGCTACAAACTTGAGGATCTGCAGGCTAACCAGATGATCCTGAATGAAAGTCTTA[T>C]ACTTTCTACCACTTCGCAGGATTGTGTTATCTTTGAACCAAGTGATCTCAAAGGGAGGAG-3'
Protein context (NP_001254479.2, residues 5673-5693): DNTILRSGRK[Tyr5683Cys]KTFIQDHLVS

ClinVar aggregate classification (germline): Conflicting classifications of pathogenicity. Review status: criteria provided, conflicting classifications (1 of 4 stars). 28 submissions from 24 submitters: Uncertain significance (1); Benign (16); Likely benign (5). 6 of the submissions do not count toward it. Last evaluated 2026-09-01.

Conditions:
TTN-related disorder. Also called: TTN-related disorders; TTN-related condition; TTN-related disease.
Cardiovascular phenotype. Identifiers: MedGen CN230736.
Autosomal recessive limb-girdle muscular dystrophy type 2J (LGMDR10). Also called: MUSCULAR DYSTROPHY, LIMB-GIRDLE, AUTOSOMAL RECESSIVE 10; Limb-girdle muscular dystrophy, type 2J. Identifiers: Orphanet 140922, MedGen C1837342, MONDO:0012127, OMIM 608807.
Dilated cardiomyopathy 1G (CMD1G). Identifiers: Orphanet 154, MedGen C1858763, MONDO:0011400, OMIM 604145.
Brugada syndrome. Also called: Sudden Unexplained Death Syndrome; Sudden Unexplained Nocturnal Death Syndrome (SUNDS); Sudden unexpected nocturnal death syndrome; Sudden unexplained nocturnal death syndrome. Identifiers: Orphanet 130, MedGen C1142166, MONDO:0015263.
Cardiomyopathy (CMYO). Also called: Cardiomyopathies. Identifiers: Orphanet 167848, MedGen C0878544, MONDO:0004994, HP:0001638. Inheritance: Various modes of inheritance.
Early-onset myopathy with fatal cardiomyopathy (CMYO5). Also called: CONGENITAL MYOPATHY 5 WITH CARDIOMYOPATHY; Salih Myopathy. Identifiers: Orphanet 289377, MedGen C2673677, MONDO:0012714, OMIM 611705. Disease mechanism: loss of function.
Myopathy, myofibrillar, 9, with early respiratory failure (MFM9). Also called: Myopathy, distal, with early respiratory failure, autosomal dominant; Hereditary myopathy with early respiratory failure; EDSTROM MYOPATHY; MYOPATHY, PROXIMAL, WITH EARLY RESPIRATORY MUSCLE INVOLVEMENT. Identifiers: Orphanet 178464, Orphanet 34521, MedGen C1863599, MONDO:0011362, OMIM 603689.
Tibial muscular dystrophy (TMD). Also called: Tibial muscular dystrophy, tardive; Udd Distal Myopathy – Tibial Muscular Dystrophy; UDD MYOPATHY. Identifiers: Orphanet 609, MedGen C1838244, MONDO:0010870, OMIM 600334.

Allele frequency attached by ClinVar (database versions not stated): gnomAD 0.00471 and 0.00477; 1000 Genomes Project 30x 0.00234; TOPMed 0.00471; ESP Exome Variant Server 0.00559; gnomAD exomes 0.00697 and 0.00559; 1000 Genomes Project 0.00200; ExAC 0.00585.
gnomAD v4.1: 10,839 of 1,613,858 alleles (0.67%); highest among the groups gnomAD compares: Non-Finnish European, 0.77%; 45 homozygotes.

Submissions 1 to 16 of 29:

CeGaT Center for Human Genetics Tuebingen
Classification: Likely benign. Last evaluated: 2026-09-01. Review status: criteria provided, single submitter. Criteria: CeGaT Center For Human Genetics Tuebingen Variant Classification Criteria Version 2. Collection method: clinical testing. Allele origin: germline. Affected: yes. Observed: 76 variant alleles.
Comment: TTN: BS2

Labcorp Genetics (formerly Invitae), Labcorp
Classification: Benign for Dilated cardiomyopathy 1G; Autosomal recessive limb-girdle muscular dystrophy type 2J. Last evaluated: 2026-02-03. Review status: criteria provided, single submitter. Criteria: Invitae Variant Classification Sherloc (09022015). Collection method: clinical testing. Allele origin: germline.

ARUP Laboratories, Molecular Genetics and Genomics, ARUP Laboratories
Classification: Benign. Last evaluated: 2025-07-03. Review status: criteria provided, single submitter. Criteria: ARUP Molecular Germline Variant Investigation Process 2024. Collection method: clinical testing. Allele origin: germline.

Molecular Diagnostic Laboratory for Inherited Cardiovascular Disease, Montreal Heart Institute
Classification: Benign. Last evaluated: 2025-04-09. Review status: criteria provided, single submitter. Criteria: ACMG Guidelines, 2015. Collection method: clinical testing. Allele origin: germline. Affected: no.

Blueprint Genetics
Classification: Likely benign. Last evaluated: 2024-11-26. Review status: criteria provided, single submitter. Criteria: ACMG Guidelines, 2015. Collection method: clinical testing. Allele origin: germline.

Mayo Clinic Laboratories, Mayo Clinic
Classification: Benign. Last evaluated: 2022-06-13. Review status: criteria provided, single submitter. Criteria: ACMG Guidelines, 2015. Collection method: clinical testing. Allele origin: germline. Observed: 33 variant alleles.
Comment: BS1, BS2

Athena Diagnostics
Classification: Benign. Last evaluated: 2020-09-03. Review status: criteria provided, single submitter. Criteria: Athena Diagnostics criteria. Collection method: clinical testing. Allele origin: unknown.

CHEO Genetics Diagnostic Laboratory, Children's Hospital of Eastern Ontario
Classification: Benign for Cardiomyopathy. Last evaluated: 2020-03-19. Review status: criteria provided, single submitter. Criteria: ACMG Guidelines, 2015. Collection method: clinical testing. Allele origin: germline. Study: Canadian Open Genetics Repository.

Ambry Genetics
Classification: Benign for Cardiovascular phenotype. Last evaluated: 2019-08-27. Review status: criteria provided, single submitter. Criteria: Ambry Autosomal Dominant and X-Linked criteria (3/2017). Collection method: clinical testing. Allele origin: germline. Observed: 1 variant allele.
Comment: General population or subpopulation frequency is too high to be a pathogenic mutation based on disease/syndrome prevalence and penetrance;In silico models in agreement (benign)

Women's Health and Genetics/Laboratory Corporation of America, LabCorp
Classification: Benign. Last evaluated: 2019-08-27. Review status: criteria provided, single submitter. Criteria: LabCorp Variant Classification Summary - May 2015. Collection method: clinical testing. Allele origin: germline.
Comment: Variant summary: TTN c.13316A>G (p.Tyr4439Cys) results in a non-conservative amino acid change located in the I-band of the encoded protein sequence. Two of four in-silico tools predict a benign effect of the variant on protein function. The variant allele was found at a frequency of 0.0056 in 248668 control chromosomes, predominantly at a frequency of 0.0082 within the Non-Finnish European subpopulation in the gnomAD database, including 3 homozygotes. The observed variant frequency within Non-Finnish European control individuals in the gnomAD database is approximately 13-folds over the estimated maximal expected allele frequency for a pathogenic variant in TTN causing Cardiomyopathy phenotype (0.00063), strongly suggesting that the variant is a benign polymorphism found primarily in populations of Non-Finnish European origin. Eight ClinVar submissions (evaluation after 2014) cite the variant seven times as likely benign/benign and once as uncertain significance. Based on the evidence outlined above, the variant was classified as benign.

Center for Advanced Laboratory Medicine, UC San Diego Health, University of California San Diego
Classification: Benign for Brugada syndrome. Last evaluated: 2018-02-27. Review status: criteria provided, single submitter. Criteria: ACMG Guidelines, 2015. Collection method: clinical testing. Allele origin: germline. Affected: yes. Observed: 1 variant allele.

Illumina Laboratory Services, Illumina
Classification: Likely benign for Dilated cardiomyopathy 1G. Last evaluated: 2018-01-13. Review status: criteria provided, single submitter. Criteria: ICSL Variant Classification Criteria 13 December 2019. Collection method: clinical testing. Allele origin: germline.
Comment: This variant was observed in the ICSL laboratory as part of a predisposition screen in an ostensibly healthy population. It had not been previously curated by ICSL or reported in the Human Gene Mutation Database (HGMD: prior to June 1st, 2018), and was therefore a candidate for classification through an automated scoring system. Utilizing variant allele frequency, disease prevalence and penetrance estimates, and inheritance mode, an automated score was calculated to assess if this variant is too frequent to cause the disease. Based on the score and internal cut-off values, a variant classified as likely benign is not then subjected to further curation. The score for this variant resulted in a classification of likely benign for this disease.

Illumina Laboratory Services, Illumina
Classification: Likely benign for Early-onset myopathy with fatal cardiomyopathy. Last evaluated: 2018-01-13. Review status: criteria provided, single submitter. Criteria: ICSL Variant Classification Criteria 13 December 2019. Collection method: clinical testing. Allele origin: germline.
Comment: the same text as in the submission from Illumina Laboratory Services, Illumina above.

Illumina Laboratory Services, Illumina
Classification: Uncertain significance for Autosomal recessive limb-girdle muscular dystrophy type 2J. Last evaluated: 2018-01-13. Review status: criteria provided, single submitter. Criteria: ICSL Variant Classification Criteria 13 December 2019. Collection method: clinical testing. Allele origin: germline.

Illumina Laboratory Services, Illumina
Classification: Benign for Myopathy, myofibrillar, 9, with early respiratory failure. Last evaluated: 2018-01-13. Review status: criteria provided, single submitter. Criteria: ICSL Variant Classification Criteria 13 December 2019. Collection method: clinical testing. Allele origin: germline.
Comment: This variant was observed in the ICSL laboratory as part of a predisposition screen in an ostensibly healthy population. It had not been previously curated by ICSL or reported in the Human Gene Mutation Database (HGMD: prior to June 1st, 2018), and was therefore a candidate for classification through an automated scoring system. Utilizing variant allele frequency, disease prevalence and penetrance estimates, and inheritance mode, an automated score was calculated to assess if this variant is too frequent to cause the disease. Based on the score and internal cut-off values, a variant classified as benign is not then subjected to further curation. The score for this variant resulted in a classification of benign for this disease.

Illumina Laboratory Services, Illumina
Classification: Benign for Tibial muscular dystrophy. Last evaluated: 2018-01-13. Review status: criteria provided, single submitter. Criteria: ICSL Variant Classification Criteria 13 December 2019. Collection method: clinical testing. Allele origin: germline.
Comment: the same text as in the submission from Illumina Laboratory Services, Illumina above.